The following is an entry in ClinVar:

NM_001376.5(DYNC1H1):c.6687G>C (p.Gly2229=)

Gene: DYNC1H1 (dynein cytoplasmic 1 heavy chain 1; plus strand). Cytogenetic location: 14q32.31.
Variant type: single nucleotide variant.
Coding change: c.6687G>C on transcript NM_001376.5 (MANE Select); coding-DNA position 6687, G replaced by C.
Protein change: p.Gly2229=; no amino-acid change (glycine 2229 retained).
Molecular consequence: synonymous variant.
Genome position (GRCh38, 1-based): chr14:102,011,943, G>C. VCF-style: chr14-102011943-G-C. GRCh37 (hg19) VCF-style: chr14-102478280-G-C.
Identifiers: ClinVar variation 588938 (VCV000588938.14), dbSNP rs553054991, ClinGen allele CA7352664.

ClinVar aggregate classification (germline): Likely benign. Review status: criteria provided, multiple submitters, no conflicts (2 of 4 stars). 3 submissions from 3 submitters: Likely benign (3). Last evaluated 2025-07-22.

Conditions:
Inborn genetic diseases. Identifiers: MedGen C0950123, MeSH D030342.
DYNC1H1-related disorder. Also called: DYNC1H1-related condition; DYNC1H1-related disorders. Identifiers: MedGen CN381529.
Charcot-Marie-Tooth disease axonal type 2O. Also called: CHARCOT-MARIE-TOOTH NEUROPATHY, AXONAL, TYPE 2O; CHARCOT-MARIE-TOOTH DISEASE, AXONAL, AUTOSOMAL DOMINANT, TYPE 2O; Charcot-Marie-Tooth disease, axonal, type 20; Charcot-Marie-Tooth Neuropathy Type 2O. Identifiers: Orphanet 284232, MedGen C3280220, MONDO:0013644, OMIM 614228.

Allele frequency attached by ClinVar (database versions not stated): gnomAD 0.00001; TOPMed 0.00001.
gnomAD v4.1: 6 of 1,614,006 alleles (0.00037%); highest among the groups gnomAD compares: Admixed American, 0.0017%; no homozygotes.

Submissions (3):

Labcorp Genetics (formerly Invitae), Labcorp
Classification: Likely benign for Charcot-Marie-Tooth disease axonal type 2O. Last evaluated: 2025-07-22. Review status: criteria provided, single submitter. Criteria: Invitae Variant Classification Sherloc (09022015). Collection method: clinical testing. Allele origin: germline.

PreventionGenetics, part of Exact Sciences
Classification: Likely benign for DYNC1H1-related condition. Last evaluated: 2025-03-13. Review status: criteria provided, single submitter. Criteria: ACMG Guidelines, 2015. Collection method: clinical testing. Allele origin: germline.
Comment: This variant is classified as likely benign based on ACMG/AMP sequence variant interpretation guidelines (Richards et al. 2015 PMID: 25741868, with internal and published modifications).

Ambry Genetics
Classification: Likely benign for Inborn genetic diseases. Last evaluated: 2017-04-05. Review status: criteria provided, single submitter. Criteria: Ambry Variant Classification Scheme 2023. Collection method: clinical testing. Allele origin: germline.